The following is an entry in ClinVar:

ClinVar aggregate classification (germline): Pathogenic (1 of 4 stars; one submission).

Conditions:
Hereditary cancer-predisposing syndrome. Also called: Hereditary Cancer Syndrome; Tumor predisposition; Hereditary neoplastic syndrome; Neoplastic Syndromes, Hereditary. Identifiers: Orphanet 140162, MedGen C0027672, MeSH D009386, MONDO:0015356.
Cardiovascular phenotype. Identifiers: MedGen CN230736.

Submission:

Ambry Genetics
Classification: Pathogenic for Cardiovascular phenotype; Hereditary cancer-predisposing syndrome. Last evaluated: 2024-10-07. Review status: criteria provided, single submitter. Criteria: Ambry Variant Classification Scheme 2023. Collection method: clinical testing. Allele origin: germline.
Comment: The c.3000dupT pathogenic mutation, located in coding exon 23 of the NF1 gene, results from a duplication of T at nucleotide position 3000, causing a translational frameshift with a predicted alternate stop codon (p.V1001Cfs*20). This variant has been observed in at least one individual with a personal and/or family history that is consistent with neurofibromatosis type 1 (Ambry internal data). This variant is considered to be rare based on population cohorts in the Genome Aggregation Database (gnomAD). This alteration is expected to result in loss of function by premature protein truncation or nonsense-mediated mRNA decay. As such, this alteration is interpreted as a disease-causing mutation.

NM_001042492.3(NF1):c.3000dup (p.Val1001fs)

Gene: NF1 (neurofibromin 1; plus strand). Cytogenetic location: 17q11.2.
Variant type: Duplication.
Coding change: c.3000dup on transcript NM_001042492.3 (MANE Select); coding-DNA position 3000, one base duplicated (T; older notation c.3000dupT).
Protein change: p.Val1001fs; shifts the reading frame from valine 1001.
Molecular consequence: frameshift variant.
Genome position (GRCh38, 1-based): chr17:31,230,269, T duplicated. VCF-style (leftmost placement, unchanged base first): chr17-31230268-G-GT. GRCh37 (hg19) VCF-style: chr17-29557286-G-GT.
Other names: c.3000dup, p.Val1001Cysfs (NM_000267.4); c.3000dupT (NM_000267.3); short protein forms V1001fs.
Identifiers: ClinVar variation 3404757 (VCV003404757.1).